The following is an entry in ClinVar:

NM_004006.3(DMD):c.1759A>G (p.Thr587Ala)

Gene: DMD (dystrophin; minus strand). Cytogenetic location: Xp21.1.
Variant type: single nucleotide variant.
Coding change: c.1759A>G on transcript NM_004006.3 (MANE Select); coding-DNA position 1759, A replaced by G.
Protein change: p.Thr587Ala; replaces threonine 587 with alanine.
Molecular consequence: missense variant.
Genome position (GRCh38, 1-based): chrX:32,573,583, T>C on the plus strand (A>G on the coding strand, the complement: DMD is on the minus strand). VCF-style: chrX-32573583-T-C. GRCh37 (hg19) VCF-style: chrX-32591700-T-C.
Other names: c.1735A>G, p.Thr579Ala (NM_000109.4); c.1747A>G, p.Thr583Ala (NM_004009.3); c.1390A>G, p.Thr464Ala (NM_004010.3); short protein forms T579A, T464A, T583A, T587A.
Identifiers: ClinVar variation 1431397 (VCV001431397.10), dbSNP rs1344492096, ClinGen allele CA412673181.

ClinVar aggregate classification (germline): Uncertain significance (1 of 4 stars; one submission).

Conditions:
Duchenne muscular dystrophy (DMD). Also called: MUSCULAR DYSTROPHY, PSEUDOHYPERTROPHIC PROGRESSIVE, DUCHENNE TYPE; Duchenne Muscular Dystrophy (DMD). Identifiers: Orphanet 98896, MedGen C0013264, MONDO:0010679, OMIM 310200.

Allele frequency attached by ClinVar (database versions not stated): gnomAD 0.00001.
gnomAD v4.1: 1 of 1,210,594 alleles (0.000083%); highest among the groups gnomAD compares: African/African-American, 0.0017%; no homozygotes.

Submission:

Labcorp Genetics (formerly Invitae), Labcorp
Classification: Uncertain significance for Duchenne muscular dystrophy. Last evaluated: 2025-04-30. Review status: criteria provided, single submitter. Criteria: Invitae Variant Classification Sherloc (09022015). Collection method: clinical testing. Allele origin: germline.
Comment: This sequence change replaces threonine, which is neutral and polar, with alanine, which is neutral and non-polar, at codon 587 of the DMD protein (p.Thr587Ala). This variant is present in population databases (no rsID available, gnomAD 0.02%). This variant has not been reported in the literature in individuals affected with DMD-related conditions. ClinVar contains an entry for this variant (Variation ID: 1431397). Invitae Evidence Modeling of protein sequence and biophysical properties (such as structural, functional, and spatial information, amino acid conservation, physicochemical variation, residue mobility, and thermodynamic stability) indicates that this missense variant is not expected to disrupt DMD protein function with a negative predictive value of 95%. In summary, the available evidence is currently insufficient to determine the role of this variant in disease. Therefore, it has been classified as a Variant of Uncertain Significance.